The following is an entry in ClinVar:

ClinVar aggregate classification (germline): Uncertain significance (1 of 4 stars; one submission).

gnomAD v4.1: 2 of 1,613,456 alleles (0.00012%); highest among the groups gnomAD compares: Non-Finnish European, 0.000085%; no homozygotes.

Submission:

Dasa
Classification: Uncertain significance. Last evaluated: 2026-02-19. Review status: criteria provided, single submitter. Criteria: DASA Assertion Criteria. Collection method: clinical testing. Allele origin: germline.
Comment: NM_001330288.2(SMARCC2):c.3524A>G (p.His1175Arg) is a missense variant that results in the substitution of histidine with arginine. This variant is rare in population databases. Computational prediction algorithms are consistent with a benign effect. The currently available literature and clinical evidence are not sufficient to establish a definitive association between this variant and the reported condition. Therefore, this variant is classified as a variant of uncertain significance.

NM_001330288.2(SMARCC2):c.3524A>G (p.His1175Arg)

Gene: SMARCC2 (SWI/SNF related BAF chromatin remodeling complex subunit C2; minus strand). Cytogenetic location: 12q13.2.
Variant type: single nucleotide variant.
Coding change: c.3524A>G on transcript NM_001330288.2 (MANE Select); coding-DNA position 3524, A replaced by G.
Protein change: p.His1175Arg; replaces histidine 1175 with arginine.
Molecular consequence: missense variant. On other transcripts: intron variant (2).
Genome position (GRCh38, 1-based): chr12:56,164,440, T>C on the plus strand (A>G on the coding strand, the complement: SMARCC2 is on the minus strand). VCF-style: chr12-56164440-T-C. GRCh37 (hg19) VCF-style: chr12-56558224-T-C.
Other names: c.3431A>G, p.His1144Arg (NM_003075.5); c.3316+208A>G (NM_139067.4); c.3317-72A>G (NM_001130420.3); short protein forms H1144R, H1175R.
Identifiers: ClinVar variation 4885750 (VCV004885750.2).